The following is an entry in ClinVar:

NM_003504.5(CDC45):c.539G>A (p.Arg180Gln)

Gene: CDC45 (cell division cycle 45; plus strand). Cytogenetic location: 22q11.21.
Variant type: single nucleotide variant.
Coding change: c.539G>A on transcript NM_003504.5 (MANE Select); coding-DNA position 539, G replaced by A.
Protein change: p.Arg180Gln; replaces arginine 180 with glutamine.
Molecular consequence: missense variant. On other transcripts: non-coding transcript variant (1).
Genome position (GRCh38, 1-based): chr22:19,494,379, G>A. VCF-style: chr22-19494379-G-A. GRCh37 (hg19) VCF-style: chr22-19481902-G-A.
Other names: c.539G>A, p.Arg180Gln (NM_001178010.2); c.401G>A, p.Arg134Gln (NM_001178011.2); c.503G>A, p.Arg168Gln (NM_001369291.1); short protein forms R134Q, R168Q, R180Q.
Identifiers: ClinVar variation 1419153 (VCV001419153.5), dbSNP rs200414830, ClinGen allele CA10101082.

ClinVar aggregate classification (germline): Uncertain significance (1 of 4 stars; one submission).

Allele frequency attached by ClinVar (database versions not stated): gnomAD exomes 0.00006 and 0.00008; ExAC 0.00007; ESP Exome Variant Server 0.00015; 1000 Genomes Project 30x 0.00016; 1000 Genomes Project 0.00020.
gnomAD v4.1: 100 of 1,613,524 alleles (0.0062%); highest among the groups gnomAD compares: Non-Finnish European, 0.0079%; no homozygotes.

Submission:

Labcorp Genetics (formerly Invitae), Labcorp
Classification: Uncertain significance. Last evaluated: 2022-06-22. Review status: criteria provided, single submitter. Criteria: Invitae Variant Classification Sherloc (09022015). Collection method: clinical testing. Allele origin: germline.
Comment: This sequence change replaces arginine, which is basic and polar, with glutamine, which is neutral and polar, at codon 180 of the CDC45 protein (p.Arg180Gln). This variant is present in population databases (rs200414830, gnomAD 0.01%). This variant has not been reported in the literature in individuals affected with CDC45-related conditions. Algorithms developed to predict the effect of missense changes on protein structure and function output the following: SIFT: "Deleterious"; PolyPhen-2: "Benign"; Align-GVGD: "Class C0". The glutamine amino acid residue is found in multiple mammalian species, which suggests that this missense change does not adversely affect protein function. In summary, the available evidence is currently insufficient to determine the role of this variant in disease. Therefore, it has been classified as a Variant of Uncertain Significance.